The following is an entry in ClinVar:

NM_032444.4(SLX4):c.506C>T (p.Ser169Leu)

Gene: SLX4 (SLX4 structure-specific endonuclease subunit; minus strand). Cytogenetic location: 16p13.3.
Variant type: single nucleotide variant.
Coding change: c.506C>T on transcript NM_032444.4 (MANE Select); coding-DNA position 506, C replaced by T.
Protein change: p.Ser169Leu; replaces serine 169 with leucine.
Molecular consequence: missense variant.
Genome position (GRCh38, 1-based): chr16:3,608,459, G>A on the plus strand (C>T on the coding strand, the complement: SLX4 is on the minus strand). VCF-style: chr16-3608459-G-A. GRCh37 (hg19) VCF-style: chr16-3658460-G-A.
Other names: short protein forms S169L.
Identifiers: ClinVar variation 887541 (VCV000887541.19), dbSNP rs776018346, ClinGen allele CA7866855.

ClinVar aggregate classification (germline): Conflicting classifications of pathogenicity. Review status: criteria provided, conflicting classifications (1 of 4 stars). 7 submissions from 7 submitters: Uncertain significance (6); Likely benign (1). Last evaluated 2026-01-11.

Conditions:
Fanconi anemia complementation group P. Also called: SLX4-Related Fanconi Anemia. Identifiers: Orphanet 84, MedGen C3469542, MONDO:0013499, OMIM 613951.
Fanconi anemia (FA). Also called: Fanconi's anemia. Identifiers: Orphanet 84, MedGen C0015625, MeSH D005199, MONDO:0019391.

Allele frequency attached by ClinVar (database versions not stated): TOPMed 0.00005; ExAC 0.00008.
gnomAD v4.1: 66 of 1,614,058 alleles (0.0041%); highest among the groups gnomAD compares: Admixed American, 0.02%; 1 homozygote.

Submissions (7):

Labcorp Genetics (formerly Invitae), Labcorp
Classification: Uncertain significance for Fanconi anemia. Last evaluated: 2026-01-11. Review status: criteria provided, single submitter. Criteria: Invitae Variant Classification Sherloc (09022015). Collection method: clinical testing. Allele origin: germline.
Comment: This sequence change replaces serine, which is neutral and polar, with leucine, which is neutral and non-polar, at codon 169 of the SLX4 protein (p.Ser169Leu). This variant is present in population databases (rs776018346, gnomAD 0.03%). This variant has not been reported in the literature in individuals affected with SLX4-related conditions. ClinVar contains an entry for this variant (Variation ID: 887541). An algorithm developed to predict the effect of missense changes on protein structure and function outputs the following: PolyPhen-2: "Benign". The leucine amino acid residue is found in multiple mammalian species, which suggests that this missense change does not adversely affect protein function. In summary, the available evidence is currently insufficient to determine the role of this variant in disease. Therefore, it has been classified as a Variant of Uncertain Significance.

Blueprint Genetics
Classification: Likely benign. Last evaluated: 2024-11-21. Review status: criteria provided, single submitter. Criteria: ACMG Guidelines, 2015. Collection method: clinical testing. Allele origin: germline.

St. Jude Molecular Pathology, St. Jude Children's Research Hospital
Classification: Uncertain significance for Fanconi anemia complementation group P. Last evaluated: 2023-06-26. Review status: criteria provided, single submitter. Criteria: St. Jude Assertion Criteria 2020. Collection method: clinical testing. Allele origin: germline.
Comment: The SLX4 c.506C>T (p.Ser169Leu) change has a maximum subpopulation frequency of 0.028% in gnomAD v2.1.1. The in silico tool REVEL predicts a benign effect on protein function, but to our knowledge this prediction has not been confirmed by functional studies. To our knowledge, this variant has not been reported in individuals with Fanconi anemia. In summary, the evidence currently available is insufficient to determine the clinical significance of this variant. It has therefore been classified as of uncertain significance.

Fulgent Genetics
Classification: Uncertain significance for Fanconi anemia complementation group P. Last evaluated: 2022-03-25. Review status: criteria provided, single submitter. Criteria: ACMG Guidelines, 2015. Collection method: clinical testing. Allele origin: unknown.

Institute for Clinical Genetics, University Hospital TU Dresden, University Hospital TU Dresden
Classification: Uncertain significance. Last evaluated: 2021-11-03. Review status: criteria provided, single submitter. Criteria: ACMG Guidelines, 2015. Collection method: clinical testing. Allele origin: germline.

Genetic Services Laboratory, University of Chicago
Classification: Uncertain significance. Last evaluated: 2019-10-15. Review status: criteria provided, single submitter. Criteria: ACMG Guidelines, 2015. Collection method: clinical testing. Allele origin: germline. Affected: no.

Illumina Laboratory Services, Illumina
Classification: Uncertain significance for Fanconi anemia complementation group P. Last evaluated: 2018-01-12. Review status: criteria provided, single submitter. Criteria: ICSL Variant Classification Criteria 13 December 2019. Collection method: clinical testing. Allele origin: germline.